The following is an entry in ClinVar:

ClinVar aggregate classification (germline): Uncertain significance (1 of 4 stars; one submission).

Allele frequency attached by ClinVar (database versions not stated): gnomAD exomes 0.00001; gnomAD 0.00002; TOPMed 0.00002.

Submission:

Labcorp Genetics (formerly Invitae), Labcorp
Classification: Uncertain significance. Last evaluated: 2021-07-20. Review status: criteria provided, single submitter. Criteria: Invitae Variant Classification Sherloc (09022015). Collection method: clinical testing. Allele origin: germline.
Comment: In summary, the available evidence is currently insufficient to determine the role of this variant in disease. Therefore, it has been classified as a Variant of Uncertain Significance. Algorithms developed to predict the effect of missense changes on protein structure and function (SIFT, PolyPhen-2, Align-GVGD) all suggest that this variant is likely to be tolerated. This variant has been observed in individual(s) with clinical features of OTUD5-related conditions (Invitae). The frequency data for this variant in the population databases is considered unreliable, as metrics indicate insufficient coverage at this position in the ExAC database. This sequence change replaces proline with serine at codon 156 of the OTUD5 protein (p.Pro156Ser). The proline residue is highly conserved and there is a moderate physicochemical difference between proline and serine.

NM_001136157.2(OTUD5):c.466C>T (p.Pro156Ser)

Gene: OTUD5 (OTU deubiquitinase 5; minus strand). Cytogenetic location: Xp11.23.
Variant type: single nucleotide variant.
Coding change: c.466C>T on transcript NM_001136157.2 (MANE Select); coding-DNA position 466, C replaced by T.
Protein change: p.Pro156Ser; replaces proline 156 with serine.
Molecular consequence: missense variant. On other transcripts: intron variant (1).
Genome position (GRCh38, 1-based): chrX:48,957,105, G>A on the plus strand (C>T on the coding strand, the complement: OTUD5 is on the minus strand). VCF-style: chrX-48957105-G-A. GRCh37 (hg19) VCF-style: chrX-48814367-G-A.
Other names: c.466C>T, p.Pro156Ser (NM_001136158.2, NM_017602.4); c.-58+1127C>T (NM_001136159.2); short protein forms P156S.
Identifiers: ClinVar variation 1431856 (VCV001431856.7), dbSNP rs1557055617, ClinGen allele CA412919498.